The following is an entry in ClinVar:

NM_003072.5(SMARCA4):c.3820A>G (p.Thr1274Ala)

Gene: SMARCA4 (SWI/SNF related BAF chromatin remodeling complex subunit ATPase 4; plus strand). Cytogenetic location: 19p13.2.
Variant type: single nucleotide variant.
Coding change: c.3820A>G on transcript NM_003072.5 (MANE Select); coding-DNA position 3820, A replaced by G.
Protein change: p.Thr1274Ala; replaces threonine 1274 with alanine.
Molecular consequence: missense variant. On other transcripts: intron variant (5).
Genome position (GRCh38, 1-based): chr19:11,033,812, A>G. VCF-style: chr19-11033812-A-G. GRCh37 (hg19) VCF-style: chr19-11144488-A-G.
Other names: c.3820A>G, p.Thr1274Ala (NM_001128844.3, NM_001128849.3, NM_001387283.1); c.3774+295A>G (NM_001128847.4, NM_001374457.1, NM_001128845.2 and 2 more transcripts); short protein forms T1274A.
Identifiers: ClinVar variation 651650 (VCV000651650.8), dbSNP rs1600393687, ClinGen allele CA404066604.
Genomic context (GRCh38, chr19:11,033,812, plus strand): 5'-TCTATTTATCCACAGAGCAGACACTGCAGCACGGGCAGCGGCAGTGCCAGCTTCGCCCAC[A>G]CTGCCCCTCCGCCAGCGGGCGTCAACCCCGACTTGGAGGAGCCACCTCTAAAGGTGAGAG-3'
Protein context (NP_003063.2, residues 1264-1284): TGSGSASFAH[Thr1274Ala]APPPAGVNPD

ClinVar aggregate classification (germline): Uncertain significance (1 of 4 stars; one submission).

Conditions:
Rhabdoid tumor predisposition syndrome 2 (RTPS2). Identifiers: Orphanet 231108, Orphanet 69077, MedGen C2750074, MONDO:0013224, OMIM 613325.

Allele frequency attached by ClinVar (database versions not stated): gnomAD exomes below 0.00001.
gnomAD v4.1: 1 of 779,380 alleles (0.00013%); highest among the groups gnomAD compares: Middle Eastern, 0.023%; no homozygotes.

Submission:

Labcorp Genetics (formerly Invitae), Labcorp
Classification: Uncertain significance for Rhabdoid tumor predisposition syndrome 2. Last evaluated: 2018-11-10. Review status: criteria provided, single submitter. Criteria: Invitae Variant Classification Sherloc (09022015). Collection method: clinical testing. Allele origin: germline.
Comment: In summary, the available evidence is currently insufficient to determine the role of this variant in disease. Therefore, it has been classified as a Variant of Uncertain Significance. Algorithms developed to predict the effect of missense changes on protein structure and function (SIFT, PolyPhen-2, Align-GVGD) all suggest that this variant is likely to be tolerated, but these predictions have not been confirmed by published functional studies and their clinical significance is uncertain. This variant has not been reported in the literature in individuals with SMARCA4-related disease. This variant is not present in population databases (ExAC no frequency). This sequence change replaces threonine with alanine at codon 1274 of the SMARCA4 protein (p.Thr1274Ala). The threonine residue is moderately conserved and there is a small physicochemical difference between threonine and alanine.